The following is an entry in ClinVar:

NM_001378609.3(OTOGL):c.1477A>T (p.Thr493Ser)

Gene: OTOGL (otogelin like; plus strand). Cytogenetic location: 12q21.31.
Variant type: single nucleotide variant.
Coding change: c.1477A>T on transcript NM_001378609.3 (MANE Select); coding-DNA position 1477, A replaced by T.
Protein change: p.Thr493Ser; replaces threonine 493 with serine.
Molecular consequence: missense variant.
Genome position (GRCh38, 1-based): chr12:80,255,075, A>T. VCF-style: chr12-80255075-A-T. GRCh37 (hg19) VCF-style: chr12-80648855-A-T.
Other names: c.1477A>T, p.Thr493Ser (NM_001368062.3, NM_001378610.3, NM_173591.7); short protein forms T493S.
Identifiers: ClinVar variation 3004377 (VCV003004377.3), dbSNP rs759427411, ClinGen allele CA6700486.
Genomic context (GRCh38, chr12:80,255,075, plus strand): 5'-TTTGTTTTCTTTTTTTTTTTGGCAGTTCAATGCTCAGTTGTAGGTGATTCTCACTTTACA[A>T]CTTTTGATGGTCGACATTATTCTTTTATTGGCATGTGCCAATACATCCTCGTGAAAGGAA-3'
Protein context (NP_001365538.2, residues 483-503): CSVVGDSHFT[Thr493Ser]FDGRHYSFIG

ClinVar aggregate classification (germline): Uncertain significance (1 of 4 stars; one submission).

Allele frequency attached by ClinVar (database versions not stated): ExAC 0.00016.
gnomAD v4.1: 18 of 1,518,992 alleles (0.0012%); highest among the groups gnomAD compares: South Asian, 0.023%; 2 homozygotes.

Submission:

Labcorp Genetics (formerly Invitae), Labcorp
Classification: Uncertain significance. Last evaluated: 2023-01-21. Review status: criteria provided, single submitter. Criteria: Invitae Variant Classification Sherloc (09022015). Collection method: clinical testing. Allele origin: germline.
Comment: In summary, the available evidence is currently insufficient to determine the role of this variant in disease. Therefore, it has been classified as a Variant of Uncertain Significance. Algorithms developed to predict the effect of missense changes on protein structure and function are either unavailable or do not agree on the potential impact of this missense change (SIFT: "Deleterious"; PolyPhen-2: "Probably Damaging"; Align-GVGD: "Class C0"). This variant has not been reported in the literature in individuals affected with OTOGL-related conditions. This variant is present in population databases (rs759427411, gnomAD 0.03%). This sequence change replaces threonine, which is neutral and polar, with serine, which is neutral and polar, at codon 484 of the OTOGL protein (p.Thr484Ser).